The following is an entry in ClinVar:

NM_153026.3(PRICKLE1):c.36G>A (p.Leu12=)

Gene: PRICKLE1 (prickle planar cell polarity protein 1; minus strand). Cytogenetic location: 12q12.
Variant type: single nucleotide variant.
Coding change: c.36G>A on transcript NM_153026.3 (MANE Select); coding-DNA position 36, G replaced by A.
Protein change: p.Leu12=; no amino-acid change (leucine 12 retained).
Molecular consequence: synonymous variant.
Genome position (GRCh38, 1-based): chr12:42,472,481, C>T on the plus strand (G>A on the coding strand, the complement: PRICKLE1 is on the minus strand). VCF-style: chr12-42472481-C-T. GRCh37 (hg19) VCF-style: chr12-42866283-C-T.
Other names: c.36G>A, p.Leu12= (NM_001144881.2, NM_001144882.2, NM_001144883.2).
Identifiers: ClinVar variation 507015 (VCV000507015.4), dbSNP rs1162360044, ClinGen allele CA479288056.
Genomic context (GRCh38, chr12:42,472,481, plus strand): 5'-CTCCTCCAATGCACAGCCAGAGTCATCATCTGATGTGGAACTTCTCTGACAGCCAAAGGC[C>T]AGTTTGCTCATCTTGGGCTCCATCTCCAAAGGCATAAAGTTTAAAGCCTGGTTTCTCAGT-3'
Protein context (NP_694571.2, residues 2-22): PLEMEPKMSK[Leu12=]AFGCQRSSTS

ClinVar aggregate classification (germline): Likely benign. Review status: criteria provided, multiple submitters, no conflicts (2 of 4 stars). 2 submissions from 2 submitters: Likely benign (2). Last evaluated 2023-06-13.

Conditions:
Epilepsy, progressive myoclonic, 1B. Also called: PME. Identifiers: Orphanet 308, MedGen C2676254, MONDO:0012904, OMIM 612437.

Allele frequency attached by ClinVar (database versions not stated): TOPMed below 0.00001; gnomAD 0.00001.
gnomAD v4.1: 1 of 1,614,022 alleles (0.000062%); highest among the groups gnomAD compares: Non-Finnish European, 0.000085%; no homozygotes.

Submissions (2):

Labcorp Genetics (formerly Invitae), Labcorp
Classification: Likely benign for Epilepsy, progressive myoclonic, 1B. Last evaluated: 2023-06-13. Review status: criteria provided, single submitter. Criteria: Invitae Variant Classification Sherloc (09022015). Collection method: clinical testing. Allele origin: germline.

GeneDx
Classification: Likely benign. Last evaluated: 2017-01-26. Review status: criteria provided, single submitter. Criteria: GeneDx Variant Classification (06012015). Collection method: clinical testing. Allele origin: germline. Affected: yes.
Comment: This variant is considered likely benign or benign based on one or more of the following criteria: it is a conservative change, it occurs at a poorly conserved position in the protein, it is predicted to be benign by multiple in silico algorithms, and/or has population frequency not consistent with disease.